The following is an entry in ClinVar:

NM_000179.3(MSH6):c.3491T>G (p.Val1164Gly)

Gene: MSH6 (mutS homolog 6; plus strand). Cytogenetic location: 2p16.3.
Variant type: single nucleotide variant.
Coding change: c.3491T>G on transcript NM_000179.3 (MANE Select); coding-DNA position 3491, T replaced by G.
Protein change: p.Val1164Gly; replaces valine 1164 with glycine.
Molecular consequence: missense variant.
Genome position (GRCh38, 1-based): chr2:47,804,962, T>G. VCF-style: chr2-47804962-T-G. GRCh37 (hg19) VCF-style: chr2-48032101-T-G.
Other names: c.3101T>G, p.Val1034Gly (NM_001281492.2); c.2585T>G, p.Val862Gly (NM_001281493.2, NM_001281494.2, NM_001406811.1 and 6 more transcripts); c.3587T>G, p.Val1196Gly (NM_001406795.1, NM_001406802.1); c.3491T>G, p.Val1164Gly (NM_001406796.1, NM_001406800.1, NM_001406808.1 and 1 more transcripts); c.3194T>G, p.Val1065Gly (NM_001406797.1, NM_001406801.1, NM_001406805.1 and 10 more transcripts); c.3317T>G, p.Val1106Gly (NM_001406798.1); c.2966T>G, p.Val989Gly (NM_001406799.1, NM_001406806.1, NM_001406807.1); c.2627T>G, p.Val876Gly (NM_001406803.1); and 7 more; short protein forms V1164G, V1166G, V989G, V1065G, V642G, V1034G, V1106G, V113G.
Identifiers: ClinVar variation 1731945 (VCV001731945.2), dbSNP rs2104506640, ClinGen allele CA346760149.

ClinVar aggregate classification (germline): Uncertain significance (1 of 4 stars; one submission).

Conditions:
Hereditary cancer-predisposing syndrome. Also called: Neoplastic Syndromes, Hereditary; Tumor predisposition; Hereditary Cancer Syndrome; Hereditary neoplastic syndrome. Identifiers: Orphanet 140162, MedGen C0027672, MeSH D009386, MONDO:0015356.

Submission:

Ambry Genetics
Classification: Uncertain significance for Hereditary cancer-predisposing syndrome. Last evaluated: 2015-12-05. Review status: criteria provided, single submitter. Criteria: Ambry Variant Classification Scheme 2023. Collection method: clinical testing. Allele origin: germline.
Comment: The p.V1164G variant (also known as c.3491T>G), located in coding exon 6 of the MSH6 gene, results from a T to G substitution at nucleotide position 3491. The valine at codon 1164 is replaced by glycine, an amino acid with dissimilar properties. This variant was not reported in population based cohorts in the following databases: Database of Single Nucleotide Polymorphisms (dbSNP), NHLBI Exome Sequencing Project (ESP), and 1000 Genomes Project. In the ESP, this variant was not observed in 6503 samples (13006 alleles) with coverage at this position. To date, this alteration has been detected with an allele frequency of approximately 0.001% (greater than 115000 alleles tested) in our clinical cohort. This amino acid position is not well conserved in available vertebrate species. This alteration is predicted to be benign and tolerated by PolyPhen and SIFT in silico analyses, respectively. In addition, the CoDP in silico tool predicts this alteration to have minor impact on molecular function, with a score of 0.021 (Terui H et al. J. Biomed. Sci. 2013;20:25). Since supporting evidence is limited at this time, the clinical significance of p.V1164G remains unclear.